The following is an entry in ClinVar:

ClinVar aggregate classification (germline): Likely benign. Review status: criteria provided, multiple submitters, no conflicts (2 of 4 stars). 6 submissions from 6 submitters: Likely benign (6). Last evaluated 2025-12-27.

Conditions:
Familial thoracic aortic aneurysm and aortic dissection (TAAD). Also called: Thoracic aortic aneurysms and dissections. Identifiers: Orphanet 91387, MedGen C4707243, MONDO:0019625.
Connective tissue disorder. Also called: Connective tissue disease. Identifiers: MedGen C0009782, MONDO:0003900.
Aortic aneurysm, familial thoracic 8 (AAT8). Identifiers: MedGen C3809513, MONDO:0014187, OMIM 615436.

Allele frequency attached by ClinVar (database versions not stated): TOPMed 0.00003; gnomAD 0.00004; ExAC 0.00005; gnomAD exomes 0.00007.
gnomAD v4.1: 61 of 1,609,606 alleles (0.0038%); highest among the groups gnomAD compares: Non-Finnish European, 0.0051%; no homozygotes.

Submissions (6):

Labcorp Genetics (formerly Invitae), Labcorp
Classification: Likely benign for Aortic aneurysm, familial thoracic 8. Last evaluated: 2025-12-27. Review status: criteria provided, single submitter. Criteria: Invitae Variant Classification Sherloc (09022015). Collection method: clinical testing. Allele origin: germline.

Molecular Diagnostic Laboratory for Inherited Cardiovascular Disease, Montreal Heart Institute
Classification: Likely benign. Last evaluated: 2025-04-09. Review status: criteria provided, single submitter. Criteria: ACMG Guidelines, 2015. Collection method: clinical testing. Allele origin: germline. Affected: no.
Comment: BP7

Blueprint Genetics
Classification: Likely benign. Last evaluated: 2024-10-14. Review status: criteria provided, single submitter. Criteria: ACMG Guidelines, 2015. Collection method: clinical testing. Allele origin: germline.

Ambry Genetics
Classification: Likely benign for Familial thoracic aortic aneurysm and aortic dissection. Last evaluated: 2018-11-13. Review status: criteria provided, single submitter. Criteria: Ambry Variant Classification Scheme 2023. Collection method: clinical testing. Allele origin: germline.

Center for Human Genetics, Inc
Classification: Likely benign for Connective tissue disorder. Last evaluated: 2018-06-01. Review status: criteria provided, single submitter. Criteria: ACMG Guidelines, 2015. Collection method: clinical testing. Allele origin: germline. Affected: yes.

ARUP Laboratories, Molecular Genetics and Genomics, ARUP Laboratories
Classification: Likely benign. Last evaluated: 2017-04-27. Review status: criteria provided, single submitter. Criteria: ARUP Molecular Germline Variant Investigation Process. Collection method: clinical testing. Allele origin: germline.

NM_006258.4(PRKG1):c.2049T>C (p.Asp683=)

Gene: PRKG1 (protein kinase cGMP-dependent 1; plus strand). Cytogenetic location: 10q21.1.
Variant type: single nucleotide variant.
Coding change: c.2049T>C on transcript NM_006258.4 (MANE Select); coding-DNA position 2049, T replaced by C.
Protein change: p.Asp683=; no amino-acid change (aspartic acid 683 retained).
Molecular consequence: synonymous variant.
Genome position (GRCh38, 1-based): chr10:52,293,888, T>C. VCF-style: chr10-52293888-T-C. GRCh37 (hg19) VCF-style: chr10-54053648-T-C.
Other names: c.2004T>C, p.Asp668= (NM_001098512.3, LRG_1135t2); c.2049T>C, p.Asp683= (LRG_1135t1).
Identifiers: ClinVar variation 440196 (VCV000440196.22), dbSNP rs771700923, ClinGen allele CA5504016.